The following is an entry in ClinVar:

ClinVar aggregate classification (germline): Uncertain significance. Review status: criteria provided, multiple submitters, no conflicts (2 of 4 stars). 3 submissions from 3 submitters: Uncertain significance (3). Last evaluated 2025-07-15.

Conditions:
Autosomal recessive ataxia, Beauce type. Also called: SYNE1-Related Autosomal Recessive Cerebellar Ataxia; Spinocerebellar ataxia, autosomal recessive 8; ATAXIA, RECESSIVE, OF BEAUCE; SYNE1 Deficiency. Identifiers: Orphanet 88644, MedGen C1853116, MONDO:0012549, OMIM 610743.
Emery-Dreifuss muscular dystrophy 4, autosomal dominant (EDMD4). Also called: EMERY-DREIFUSS MUSCULAR DYSTROPHY 4 WITH VARIABLE FEATURES. Identifiers: Orphanet 261, MedGen C2751807, MONDO:0013071, OMIM 612998.

Allele frequency attached by ClinVar (database versions not stated): gnomAD exomes 0.00001; gnomAD 0.00005 and 0.00006; TOPMed 0.00005; ESP Exome Variant Server 0.00008.
gnomAD v4.1: 32 of 1,614,092 alleles (0.002%); highest among the groups gnomAD compares: East Asian, 0.011%; 1 homozygote.

Submissions (3):

Mayo Clinic Laboratories, Mayo Clinic
Classification: Uncertain significance. Last evaluated: 2025-07-15. Review status: criteria provided, single submitter. Criteria: ACMG Guidelines, 2015. Collection method: clinical testing. Allele origin: germline. Observed: 1 variant allele.
Comment: BP4_moderate, PM2_supporting

Labcorp Genetics (formerly Invitae), Labcorp
Classification: Uncertain significance for Emery-Dreifuss muscular dystrophy 4, autosomal dominant; Autosomal recessive ataxia, Beauce type. Last evaluated: 2022-08-16. Review status: criteria provided, single submitter. Criteria: Invitae Variant Classification Sherloc (09022015). Collection method: clinical testing. Allele origin: germline.
Comment: This sequence change replaces leucine, which is neutral and non-polar, with valine, which is neutral and non-polar, at codon 4701 of the SYNE1 protein (p.Leu4701Val). This variant is present in population databases (rs143910248, gnomAD 0.02%). This variant has not been reported in the literature in individuals affected with SYNE1-related conditions. ClinVar contains an entry for this variant (Variation ID: 1492060). Algorithms developed to predict the effect of missense changes on protein structure and function output the following: SIFT: "Deleterious"; PolyPhen-2: "Benign"; Align-GVGD: "Class C0". The valine amino acid residue is found in multiple mammalian species, which suggests that this missense change does not adversely affect protein function. In summary, the available evidence is currently insufficient to determine the role of this variant in disease. Therefore, it has been classified as a Variant of Uncertain Significance.

GeneDx
Classification: Uncertain significance. Last evaluated: 2021-11-11. Review status: criteria provided, single submitter. Criteria: GeneDx Variant Classification Process June 2021. Collection method: clinical testing. Allele origin: germline. Affected: yes.
Comment: Not observed at significant frequency in large population cohorts (gnomAD); In silico analysis supports that this missense variant does not alter protein structure/function; Has not been previously published as pathogenic or benign to our knowledge

NM_182961.4(SYNE1):c.14314T>G (p.Leu4772Val)

Gene: SYNE1 (spectrin repeat containing nuclear envelope protein 1; minus strand). Cytogenetic location: 6q25.2.
Variant type: single nucleotide variant.
Coding change: c.14314T>G on transcript NM_182961.4 (MANE Select); coding-DNA position 14314, T replaced by G.
Protein change: p.Leu4772Val; replaces leucine 4772 with valine.
Molecular consequence: missense variant.
Genome position (GRCh38, 1-based): chr6:152,330,371, A>C on the plus strand (T>G on the coding strand, the complement: SYNE1 is on the minus strand). VCF-style: chr6-152330371-A-C. GRCh37 (hg19) VCF-style: chr6-152651506-A-C.
Other names: p.Leu4701Val; c.14101T>G, p.Leu4701Val (NM_033071.5); short protein forms L4772V, L4701V.
Identifiers: ClinVar variation 1492060 (VCV001492060.6), dbSNP rs143910248, ClinGen allele CA150176313.